The following is an entry in ClinVar:

ClinVar aggregate classification (germline): Pathogenic (1 of 4 stars; one submission).

Conditions:
Colorectal cancer, hereditary nonpolyposis, type 7. Identifiers: Orphanet 144, MedGen C1858380, MONDO:0013725, OMIM 614385.

Submission:

Myriad Genetics, Inc.
Classification: Pathogenic for Colorectal cancer, hereditary nonpolyposis, type 7. Last evaluated: 2025-12-03. Review status: criteria provided, single submitter. Criteria: Myriad Autosomal Dominant, Autosomal Recessive and X-Linked Classification Criteria (2023). Collection method: clinical testing. Allele origin: unknown.
Comment: This variant is considered pathogenic. This variant creates a frameshift predicted to result in premature protein truncation.

NM_001040108.2(MLH3):c.746del (p.Met249fs)

Gene: MLH3 (mutL homolog 3; minus strand). Cytogenetic location: 14q24.3.
Variant type: Deletion.
Coding change: c.746del on transcript NM_001040108.2 (MANE Select); coding-DNA position 746, one base deleted (T; older notation c.746delT).
Protein change: p.Met249fs; shifts the reading frame from methionine 249.
Molecular consequence: frameshift variant.
Genome position (GRCh38, 1-based): chr14:75,048,910, A deleted on the plus strand (T on the coding strand, the reverse complement: MLH3 is on the minus strand). VCF-style (leftmost placement, unchanged base first): chr14-75048909-CA-C. GRCh37 (hg19) VCF-style: chr14-75515612-CA-C.
Other names: c.746del, p.Met249fs (NM_014381.3); short protein forms M249fs.
Identifiers: ClinVar variation 4813006 (VCV004813006.1).